The following is an entry in ClinVar:

ClinVar aggregate classification (germline): Uncertain significance (1 of 4 stars; one submission).

Allele frequency attached by ClinVar (database versions not stated): ExAC 0.00001; gnomAD exomes 0.00001; gnomAD 0.00004; TOPMed 0.00004; ESP Exome Variant Server 0.00008.
gnomAD v4.1: 13 of 1,613,578 alleles (0.00081%); highest among the groups gnomAD compares: African/African-American, 0.017%; no homozygotes.

Submission:

Labcorp Genetics (formerly Invitae), Labcorp
Classification: Uncertain significance. Last evaluated: 2022-11-05. Review status: criteria provided, single submitter. Criteria: Invitae Variant Classification Sherloc (09022015). Collection method: clinical testing. Allele origin: germline.
Comment: Advanced modeling of protein sequence and biophysical properties (such as structural, functional, and spatial information, amino acid conservation, physicochemical variation, residue mobility, and thermodynamic stability) performed at Invitae indicates that this missense variant is not expected to disrupt EEF2 protein function. This sequence change replaces asparagine, which is neutral and polar, with serine, which is neutral and polar, at codon 184 of the EEF2 protein (p.Asn184Ser). This variant is present in population databases (rs143380902, gnomAD 0.02%). This variant has not been reported in the literature in individuals affected with EEF2-related conditions. In summary, the available evidence is currently insufficient to determine the role of this variant in disease. Therefore, it has been classified as a Variant of Uncertain Significance.

NM_001961.4(EEF2):c.551A>G (p.Asn184Ser)

Gene: EEF2 (eukaryotic translation elongation factor 2; minus strand). Cytogenetic location: 19p13.3.
Variant type: single nucleotide variant.
Coding change: c.551A>G on transcript NM_001961.4 (MANE Select); coding-DNA position 551, A replaced by G.
Protein change: p.Asn184Ser; replaces asparagine 184 with serine.
Molecular consequence: missense variant.
Genome position (GRCh38, 1-based): chr19:3,982,868, T>C on the plus strand (A>G on the coding strand, the complement: EEF2 is on the minus strand). VCF-style: chr19-3982868-T-C. GRCh37 (hg19) VCF-style: chr19-3982866-T-C.
Other names: short protein forms N184S.
Identifiers: ClinVar variation 3009091 (VCV003009091.3), dbSNP rs143380902, ClinGen allele CA9089378.
Genomic context (GRCh38, chr19:3,982,868, plus strand): 5'-ATGATGTTGCCCATGGGGCCGCTCTCGCCCTCGCCGTAGGTGGAGATGATGACGTTCACG[T>C]TCTCCACGATGCGCTGGAAAGTCTGGTAGAGCTCCTCGGGCTCCAGCTGCAGCTCCAGCA-3'
Protein context (NP_001952.1, residues 174-194): LYQTFQRIVE[Asn184Ser]VNVIISTYGE